The following is an entry in ClinVar:

NM_203447.4(DOCK8):c.4087C>T (p.Arg1363Trp)

Gene: DOCK8 (dedicator of cytokinesis 8; plus strand). Cytogenetic location: 9p24.3.
Variant type: single nucleotide variant.
Coding change: c.4087C>T on transcript NM_203447.4 (MANE Select); coding-DNA position 4087, C replaced by T.
Protein change: p.Arg1363Trp; replaces arginine 1363 with tryptophan.
Molecular consequence: missense variant.
Genome position (GRCh38, 1-based): chr9:421,012, C>T. VCF-style: chr9-421012-C-T. GRCh37 (hg19) VCF-style: chr9-421012-C-T.
Other names: c.3787C>T, p.Arg1263Trp (NM_001190458.2); c.3883C>T, p.Arg1295Trp (NM_001193536.2); short protein forms R1263W, R1295W, R1363W.
Identifiers: ClinVar variation 1024086 (VCV001024086.7), dbSNP rs142093178, ClinGen allele CA4958926.
Genomic context (GRCh38, chr9:421,012, plus strand): 5'-AAACAGAGTTCTGACAAAGTCAGTACCCAAGTCCTGCAGAAGTCAAGGGATGTCAAGGCC[C>T]GGCTGGAAGAGGCTTTGCTCCGTGGGGAAGGGGCCAGAGGGGAGATGATGCGCCGCCGGG-3'
Protein context (NP_982272.2, residues 1353-1373): VLQKSRDVKA[Arg1363Trp]LEEALLRGEG

ClinVar aggregate classification (germline): Uncertain significance. Review status: criteria provided, multiple submitters, no conflicts (2 of 4 stars). 3 submissions from 3 submitters: Uncertain significance (3). Last evaluated 2024-12-12.

Conditions:
Combined immunodeficiency due to DOCK8 deficiency (HIES2). Also called: HYPER-IgE SYNDROME 2, AUTOSOMAL RECESSIVE, WITH RECURRENT INFECTIONS; HYPER-IgE RECURRENT INFECTION SYNDROME 2, AUTOSOMAL RECESSIVE; DOCK8 Deficiency; HIES autosomal recessive; Hyper-IgE recurrent infection syndrome, autosomal recessive. Identifiers: Orphanet 217390, MedGen C4722305, MONDO:0009478, OMIM 243700.

Allele frequency attached by ClinVar (database versions not stated): gnomAD 0.00004 and 0.00005; TOPMed 0.00006; ESP Exome Variant Server 0.00008; ExAC 0.00017.
gnomAD v4.1: 132 of 1,614,058 alleles (0.0082%); highest among the groups gnomAD compares: South Asian, 0.047%; 1 homozygote.

Submissions (3):

Labcorp Genetics (formerly Invitae), Labcorp
Classification: Uncertain significance for Combined immunodeficiency due to DOCK8 deficiency. Last evaluated: 2024-12-12. Review status: criteria provided, single submitter. Criteria: Invitae Variant Classification Sherloc (09022015). Collection method: clinical testing. Allele origin: germline.
Comment: This sequence change replaces arginine, which is basic and polar, with tryptophan, which is neutral and slightly polar, at codon 1363 of the DOCK8 protein (p.Arg1363Trp). This variant is present in population databases (rs142093178, gnomAD 0.04%). This variant has not been reported in the literature in individuals affected with DOCK8-related conditions. ClinVar contains an entry for this variant (Variation ID: 1024086). Invitae Evidence Modeling of protein sequence and biophysical properties (such as structural, functional, and spatial information, amino acid conservation, physicochemical variation, residue mobility, and thermodynamic stability) indicates that this missense variant is not expected to disrupt DOCK8 protein function with a negative predictive value of 80%. In summary, the available evidence is currently insufficient to determine the role of this variant in disease. Therefore, it has been classified as a Variant of Uncertain Significance.

Blueprint Genetics
Classification: Uncertain significance. Last evaluated: 2024-01-29. Review status: criteria provided, single submitter. Criteria: ACMG Guidelines, 2015. Collection method: clinical testing. Allele origin: germline.

Neuberg Centre For Genomic Medicine, NCGM
Classification: Uncertain significance for Combined immunodeficiency due to DOCK8 deficiency. Last evaluated: 2023-05-20. Review status: criteria provided, single submitter. Criteria: ACMG Guidelines, 2015. Collection method: clinical testing. Allele origin: germline. Inheritance: Autosomal recessive inheritance. Affected: yes.
Comment: The observed missense c.4087C>T(p.Arg1363Trp) variant in DOCK8 gene has not been reported previously as a pathogenic variant nor a benign variant, to our knowledge. The p.Arg1363Trp variant has been reported with allele frequency of 0.02% in gnomAD Exomes. This variant has been submitted to the ClinVar database as Uncertain Significance. Computational evidence (Polyphen - Benign, SIFT - Damaging and MutationTaster - Disease causing) predicts conflicting evidence on protein structure and function for this variant. The amino acid change p.Arg1363Trp in DOCK8 is predicted as conserved by PhyloP across 100 vertebrates. The amino acid Arg at position 1363 is changed to a Trp changing protein sequence and it might alter its composition and physico-chemical properties. For these reasons, this variant has been classified as a Variant of Uncertain Significance (VUS).